The following is an entry in ClinVar:

ClinVar aggregate classification (germline): Uncertain significance (1 of 4 stars; one submission).

Submission:

Labcorp Genetics (formerly Invitae), Labcorp
Classification: Uncertain significance. Last evaluated: 2021-06-07. Review status: criteria provided, single submitter. Criteria: Invitae Variant Classification Sherloc (09022015). Collection method: clinical testing. Allele origin: germline.
Comment: This sequence change replaces histidine with tyrosine at codon 1477 of the LRP5 protein (p.His1477Tyr). The histidine residue is highly conserved and there is a moderate physicochemical difference between histidine and tyrosine. This variant is not present in population databases (ExAC no frequency). This variant has not been reported in the literature in individuals with LRP5-related conditions. Advanced modeling of protein sequence and biophysical properties (such as structural, functional, and spatial information, amino acid conservation, physicochemical variation, residue mobility, and thermodynamic stability) performed at Invitae indicates that this missense variant is expected to disrupt LRP5 protein function. In summary, the available evidence is currently insufficient to determine the role of this variant in disease. Therefore, it has been classified as a Variant of Uncertain Significance.

NM_002335.4(LRP5):c.4429C>T (p.His1477Tyr)

Gene: LRP5 (LDL receptor related protein 5; plus strand). Cytogenetic location: 11q13.2.
Variant type: single nucleotide variant.
Coding change: c.4429C>T on transcript NM_002335.4 (MANE Select); coding-DNA position 4429, C replaced by T.
Protein change: p.His1477Tyr; replaces histidine 1477 with tyrosine.
Molecular consequence: missense variant.
Genome position (GRCh38, 1-based): chr11:68,439,857, C>T. VCF-style: chr11-68439857-C-T. GRCh37 (hg19) VCF-style: chr11-68207325-C-T.
Other names: c.2686C>T, p.His896Tyr (NM_001291902.2); short protein forms H1477Y, H896Y.
Identifiers: ClinVar variation 1471928 (VCV001471928.8), dbSNP rs779029955, ClinGen allele CA381616119.